The following is an entry in ClinVar:

ClinVar aggregate classification (germline): Uncertain significance (1 of 4 stars; one submission).

Conditions:
Hereditary cancer-predisposing syndrome. Also called: Neoplastic Syndromes, Hereditary; Tumor predisposition; Hereditary Cancer Syndrome; Hereditary neoplastic syndrome. Identifiers: Orphanet 140162, MedGen C0027672, MeSH D009386, MONDO:0015356.

Submission:

Ambry Genetics
Classification: Uncertain significance for Hereditary cancer-predisposing syndrome. Last evaluated: 2025-10-20. Review status: criteria provided, single submitter. Criteria: Ambry Variant Classification Scheme 2023. Collection method: clinical testing. Allele origin: germline.
Comment: The p.M536L variant (also known as c.1606A>T), located in coding exon 10 of the KIT gene, results from an A to T substitution at nucleotide position 1606. The methionine at codon 536 is replaced by leucine, an amino acid with highly similar properties. This amino acid position is not well conserved in available vertebrate species. In addition, this alteration is predicted to be tolerated by in silico analysis. Based on the available evidence, the clinical significance of this variant remains unclear.

NM_000222.3(KIT):c.1606A>T (p.Met536Leu)

Gene: KIT (KIT proto-oncogene, receptor tyrosine kinase; plus strand). Cytogenetic location: 4q12.
Variant type: single nucleotide variant.
Coding change: c.1606A>T on transcript NM_000222.3 (MANE Select); coding-DNA position 1606, A replaced by T.
Protein change: p.Met536Leu; replaces methionine 536 with leucine.
Molecular consequence: missense variant.
Genome position (GRCh38, 1-based): chr4:54,727,283, A>T. VCF-style: chr4-54727283-A-T. GRCh37 (hg19) VCF-style: chr4-55593449-A-T.
Other names: c.1594A>T, p.Met532Leu (NM_001093772.2, NM_001385286.1); c.1609A>T, p.Met537Leu (NM_001385284.1, NM_001385290.1); c.1606A>T, p.Met536Leu (NM_001385285.1); c.1597A>T, p.Met533Leu (NM_001385288.1, NM_001385292.1); short protein forms M537L, M532L, M533L, M536L.
Identifiers: ClinVar variation 4645095 (VCV004645095.1).